The following is an entry in ClinVar:

NM_005876.5(SPEG):c.4850G>A (p.Arg1617His)

Gene: SPEG (striated muscle enriched protein kinase; plus strand). Cytogenetic location: 2q35.
Variant type: single nucleotide variant.
Coding change: c.4850G>A on transcript NM_005876.5 (MANE Select); coding-DNA position 4850, G replaced by A.
Protein change: p.Arg1617His; replaces arginine 1617 with histidine.
Molecular consequence: missense variant.
Genome position (GRCh38, 1-based): chr2:219,477,928, G>A. VCF-style: chr2-219477928-G-A. GRCh37 (hg19) VCF-style: chr2-220342650-G-A.
Other names: c.4850G>A (NM_005876.4); short protein forms R1617H.
Identifiers: ClinVar variation 1509886 (VCV001509886.6), dbSNP rs200758666, ClinGen allele CA2126658.
Genomic context (GRCh38, chr2:219,477,928, plus strand): 5'-GATGGCTGATCTCTGACCCCCTCCCTGTGTCAACCAGGGGTGCTTTCTCCTACTTGCGGC[G>A]CATAGTGGAGCGTAGCTCCGGCCTGGAGTTTGCGGCCAAGTTCATCCCCAGCCAGGCCAA-3'
Protein context (NP_005867.3, residues 1607-1627): IGRGAFSYLR[Arg1617His]IVERSSGLEF

ClinVar aggregate classification (germline): Uncertain significance. Review status: criteria provided, multiple submitters, no conflicts (2 of 4 stars). 2 submissions from 2 submitters: Uncertain significance (2). Last evaluated 2023-12-13.

Conditions:
Inborn genetic diseases. Identifiers: MedGen C0950123, MeSH D030342.

Allele frequency attached by ClinVar (database versions not stated): TOPMed 0.00002; gnomAD exomes 0.00004 and 0.00016; gnomAD 0.00005; ExAC 0.00006; ESP Exome Variant Server 0.00008; 1000 Genomes Project 0.00020; 1000 Genomes Project 30x 0.00031.

Submissions (2):

Ambry Genetics
Classification: Uncertain significance for Inborn genetic diseases. Last evaluated: 2023-12-13. Review status: criteria provided, single submitter. Criteria: Ambry Variant Classification Scheme 2023. Collection method: clinical testing. Allele origin: germline.

Labcorp Genetics (formerly Invitae), Labcorp
Classification: Uncertain significance. Last evaluated: 2022-07-20. Review status: criteria provided, single submitter. Criteria: Invitae Variant Classification Sherloc (09022015). Collection method: clinical testing. Allele origin: germline.
Comment: This sequence change replaces arginine, which is basic and polar, with histidine, which is basic and polar, at codon 1617 of the SPEG protein (p.Arg1617His). This variant is present in population databases (rs200758666, gnomAD 0.009%). This variant has not been reported in the literature in individuals affected with SPEG-related conditions. ClinVar contains an entry for this variant (Variation ID: 1509886). Algorithms developed to predict the effect of missense changes on protein structure and function are either unavailable or do not agree on the potential impact of this missense change (SIFT: "Deleterious"; PolyPhen-2: "Possibly Damaging"; Align-GVGD: "Class C0"). In summary, the available evidence is currently insufficient to determine the role of this variant in disease. Therefore, it has been classified as a Variant of Uncertain Significance.